The following is an entry in ClinVar:

NM_144670.6(A2ML1):c.2590+19A>G

Gene: A2ML1 (alpha-2-macroglobulin like 1; plus strand). Cytogenetic location: 12p13.31.
Variant type: single nucleotide variant.
Coding change: c.2590+19A>G on transcript NM_144670.6 (MANE Select); 19 bases into the intron after coding-DNA position 2590, A replaced by G.
Molecular consequence: intron variant.
Genome position (GRCh38, 1-based): chr12:8,852,355, A>G. VCF-style: chr12-8852355-A-G. GRCh37 (hg19) VCF-style: chr12-9004951-A-G.
Other names: c.1117+19A>G (NM_001282424.3).
Identifiers: ClinVar variation 1098785 (VCV001098785.10), dbSNP rs368826484, ClinGen allele CA6436051.

ClinVar aggregate classification (germline): Benign/Likely benign. Review status: criteria provided, multiple submitters, no conflicts (2 of 4 stars). 3 submissions from 3 submitters: Benign (2); Likely benign (1). Last evaluated 2025-11-30.

Allele frequency attached by ClinVar (database versions not stated): ExAC 0.00027; gnomAD exomes 0.00027 and 0.00014; ESP Exome Variant Server 0.00073; TOPMed 0.00011; gnomAD 0.00015 and 0.00016.
gnomAD v4.1: 241 of 1,613,694 alleles (0.015%); highest among the groups gnomAD compares: Non-Finnish European, 0.011%; no homozygotes.

Submissions (3):

Labcorp Genetics (formerly Invitae), Labcorp
Classification: Benign. Last evaluated: 2025-11-30. Review status: criteria provided, single submitter. Criteria: Invitae Variant Classification Sherloc (09022015). Collection method: clinical testing. Allele origin: germline.

Blueprint Genetics
Classification: Likely benign. Last evaluated: 2024-11-06. Review status: criteria provided, single submitter. Criteria: ACMG Guidelines, 2015. Collection method: clinical testing. Allele origin: germline.

Women's Health and Genetics/Laboratory Corporation of America, LabCorp
Classification: Benign. Last evaluated: 2021-05-02. Review status: criteria provided, single submitter. Criteria: LabCorp Variant Classification Summary - May 2015. Collection method: clinical testing. Allele origin: germline.
Comment: Variant summary: A2ML1 c.2590+19A>G alters a non-conserved nucleotide located close to a canonical splice site and therefore could affect mRNA splicing, leading to a significantly altered protein sequence. 4/4 computational tools predict no significant impact on normal splicing. However, these predictions have yet to be confirmed by functional studies. The variant allele was found at a frequency of 0.00027 in 248670 control chromosomes. The observed variant frequency is approximately 68 fold of the estimated maximal expected allele frequency for a pathogenic variant in A2ML1 causing Noonan Syndrome phenotype (4e-06), strongly suggesting that the variant is benign. To our knowledge, no occurrence of c.2590+19A>G in individuals affected with Noonan Syndrome and no experimental evidence demonstrating its impact on protein function have been reported. No clinical diagnostic laboratories have submitted clinical-significance assessments for this variant to ClinVar after 2014. Based on the evidence outlined above, the variant was classified as benign.